The following is an entry in ClinVar:

NM_000051.4(ATM):c.675C>A (p.Ser225Arg)

Gene: ATM (ATM serine/threonine kinase; plus strand). Cytogenetic location: 11q22.3.
Variant type: single nucleotide variant.
Coding change: c.675C>A on transcript NM_000051.4 (MANE Select); coding-DNA position 675, C replaced by A.
Protein change: p.Ser225Arg; replaces serine 225 with arginine.
Molecular consequence: missense variant.
Genome position (GRCh38, 1-based): chr11:108,244,800, C>A. VCF-style: chr11-108244800-C-A. GRCh37 (hg19) VCF-style: chr11-108115527-C-A.
Other names: c.675C>A, p.Ser225Arg (NM_001351834.2); short protein forms S225R.
Identifiers: ClinVar variation 1507862 (VCV001507862.3), dbSNP rs1555066940, ClinGen allele CA382528991.

ClinVar aggregate classification (germline): Uncertain significance (1 of 4 stars; one submission).

Conditions:
Ataxia-telangiectasia syndrome (AT). Also called: Cerebello-oculocutaneous telangiectasia; Immunodeficiency with ataxia telangiectasia; ATAXIA-TELANGIECTASIA, COMPLEMENTATION GROUP A; ATAXIA-TELANGIECTASIA, FRESNO VARIANT; Ataxia-telangiectasia, complementation group E; LOUIS-BAR SYNDROME. Identifiers: Orphanet 100, MedGen C0004135, MONDO:0008840, OMIM 208900.

Submission:

Labcorp Genetics (formerly Invitae), Labcorp
Classification: Uncertain significance for Ataxia-telangiectasia syndrome. Last evaluated: 2021-12-15. Review status: criteria provided, single submitter. Criteria: Invitae Variant Classification Sherloc (09022015). Collection method: clinical testing. Allele origin: germline.
Comment: This sequence change replaces serine, which is neutral and polar, with arginine, which is basic and polar, at codon 225 of the ATM protein (p.Ser225Arg). This variant is not present in population databases (gnomAD no frequency). This variant has not been reported in the literature in individuals affected with ATM-related conditions. Advanced modeling of protein sequence and biophysical properties (such as structural, functional, and spatial information, amino acid conservation, physicochemical variation, residue mobility, and thermodynamic stability) performed at Invitae indicates that this missense variant is not expected to disrupt ATM protein function. In summary, the available evidence is currently insufficient to determine the role of this variant in disease. Therefore, it has been classified as a Variant of Uncertain Significance.